The following is an entry in ClinVar:

NM_000548.5(TSC2):c.3277G>C (p.Glu1093Gln)

Gene: TSC2 (TSC complex subunit 2; plus strand). Cytogenetic location: 16p13.3.
Variant type: single nucleotide variant.
Coding change: c.3277G>C on transcript NM_000548.5 (MANE Select); coding-DNA position 3277, G replaced by C.
Protein change: p.Glu1093Gln; replaces glutamic acid 1093 with glutamine.
Molecular consequence: missense variant. On other transcripts: non-coding transcript variant (5).
Genome position (GRCh38, 1-based): chr16:2,079,421, G>C. VCF-style: chr16-2079421-G-C. GRCh37 (hg19) VCF-style: chr16-2129422-G-C.
Other names: c.3037G>C, p.Glu1013Gln (NM_001318827.2); c.3001G>C, p.Glu1001Gln (NM_001318829.2); c.2545G>C, p.Glu849Gln (NM_001318831.2, NM_001406687.1, NM_001406688.1); c.3178G>C, p.Glu1060Gln (NM_001318832.2); c.3148G>C, p.Glu1050Gln (NM_001363528.2, NM_001370405.1, NM_021055.3); c.3145G>C, p.Glu1049Gln (NM_001370404.1, NM_001406665.1, NM_001077183.3); c.3274G>C, p.Glu1092Gln (NM_001406663.1, NM_001406664.1); c.3238G>C, p.Glu1080Gln (NM_001406667.1); and 18 more; short protein forms E1043Q, E1060Q, E601Q, E892Q, E1013Q, E1046Q, E1080Q, E1092Q.
Identifiers: ClinVar variation 2449949 (VCV002449949.3), dbSNP rs1182829976, ClinGen allele CA394286280.

ClinVar aggregate classification (germline): Uncertain significance. Review status: criteria provided, multiple submitters, no conflicts (2 of 4 stars). 2 submissions from 2 submitters: Uncertain significance (2). Last evaluated 2023-11-20.

Conditions:
Tuberous sclerosis syndrome (TSC). Also called: Tuberous Sclerosis Complex; Tuberous sclerosis. Identifiers: Orphanet 805, MedGen C0041341, MONDO:0001734.
Hereditary cancer-predisposing syndrome. Also called: Hereditary neoplastic syndrome; Tumor predisposition; Neoplastic Syndromes, Hereditary; Hereditary Cancer Syndrome. Identifiers: Orphanet 140162, MedGen C0027672, MeSH D009386, MONDO:0015356.

Submissions (2):

All of Us Research Program, National Institutes of Health
Classification: Uncertain significance for Tuberous sclerosis syndrome. Last evaluated: 2023-11-20. Review status: criteria provided, single submitter. Criteria: ACMG Guidelines, 2015. Collection method: clinical testing. Allele origin: germline. Inheritance: Autosomal dominant inheritance. Observed: 1 variant allele, 1 heterozygote.
Comment: This missense variant replaces glutamic acid with glutamine at codon 1093 of the TSC2 protein. Computational prediction suggests that this variant may not impact protein structure and function (internally defined REVEL score threshold <= 0.5, PMID: 27666373). To our knowledge, functional studies have not been reported for this variant. This variant has not been reported in individuals affected with TSC2-related disorders in the literature. This variant has not been identified in the general population by the Genome Aggregation Database (gnomAD). The available evidence is insufficient to determine the role of this variant in disease conclusively. Therefore, this variant is classified as a Variant of Uncertain Significance.

This study involves interpretation of variants in research participants for the purpose of population health screening. Participant phenotype was not available at the time of variant classification. Additional details can be found in publication PMID: 35346344, PMCID: PMC8962531

Ambry Genetics
Classification: Uncertain significance for Hereditary cancer-predisposing syndrome. Last evaluated: 2022-11-02. Review status: criteria provided, single submitter. Criteria: Ambry Variant Classification Scheme 2023. Collection method: clinical testing. Allele origin: germline.
Comment: The p.E1093Q variant (also known as c.3277G>C), located in coding exon 27 of the TSC2 gene, results from a G to C substitution at nucleotide position 3277. The glutamic acid at codon 1093 is replaced by glutamine, an amino acid with highly similar properties. This amino acid position is conserved. In addition, the in silico prediction for this alteration is inconclusive. Since supporting evidence is limited at this time, the clinical significance of this alteration remains unclear.